The following is an entry in ClinVar:

ClinVar aggregate classification (germline): Uncertain significance (1 of 4 stars; one submission).

Submission:

Labcorp Genetics (formerly Invitae), Labcorp
Classification: Uncertain significance. Last evaluated: 2024-07-08. Review status: criteria provided, single submitter. Criteria: Invitae Variant Classification Sherloc (09022015). Collection method: clinical testing. Allele origin: germline.
Comment: This sequence change replaces histidine, which is basic and polar, with tyrosine, which is neutral and polar, at codon 132 of the MRAS protein (p.His132Tyr). This variant is not present in population databases (gnomAD no frequency). This variant has not been reported in the literature in individuals affected with MRAS-related conditions. An algorithm developed to predict the effect of missense changes on protein structure and function (PolyPhen-2) suggests that this variant is likely to be disruptive. In summary, the available evidence is currently insufficient to determine the role of this variant in disease. Therefore, it has been classified as a Variant of Uncertain Significance.

NM_001085049.3(MRAS):c.394C>T (p.His132Tyr)

Gene: MRAS (muscle RAS oncogene homolog; plus strand). Cytogenetic location: 3q22.3.
Variant type: single nucleotide variant.
Coding change: c.394C>T on transcript NM_001085049.3 (MANE Select); coding-DNA position 394, C replaced by T.
Protein change: p.His132Tyr; replaces histidine 132 with tyrosine.
Molecular consequence: missense variant.
Genome position (GRCh38, 1-based): chr3:138,398,515, C>T. VCF-style: chr3-138398515-C-T. GRCh37 (hg19) VCF-style: chr3-138117357-C-T.
Other names: c.394C>T, p.His132Tyr (NM_001252090.2, NM_012219.4); c.166C>T, p.His56Tyr (NM_001252091.1, NM_001252092.2, NM_001252093.2); short protein forms H56Y, H132Y.
Identifiers: ClinVar variation 3693170 (VCV003693170.2).